The following is an entry in ClinVar:

ClinVar aggregate classification (germline): Conflicting classifications of pathogenicity. Review status: criteria provided, conflicting classifications (1 of 4 stars). 2 submissions from 2 submitters: Uncertain significance (1); Likely benign (1). Last evaluated 2025-08-05.

gnomAD v4.1: 803 of 1,614,128 alleles (0.05%); highest among the groups gnomAD compares: African/African-American, 0.96%; 3 homozygotes.

Submissions (2):

Ambry Genetics
Classification: Uncertain significance. Last evaluated: 2025-08-05. Review status: criteria provided, single submitter. Criteria: Ambry Variant Classification Scheme 2023. Collection method: clinical testing. Allele origin: germline.

CeGaT Center for Human Genetics Tuebingen
Classification: Likely benign. Last evaluated: 2025-04-01. Review status: criteria provided, single submitter. Criteria: CeGaT Center For Human Genetics Tuebingen Variant Classification Criteria Version 2. Collection method: clinical testing. Allele origin: germline. Affected: yes. Observed: 1 variant allele.
Comment: CCDC180: BP4

NM_020893.6(CCDC180):c.4732G>A (p.Glu1578Lys)

Genes: CCDC180 (coiled-coil domain containing 180; plus strand), SUGT1P4-STRA6LP-CCDC180 (SUGT1P4-STRA6LP-CCDC180 readthrough; plus strand). Cytogenetic location: 9q22.33.
Variant type: single nucleotide variant.
Coding change: c.4732G>A on transcript NM_020893.6 (MANE Select); coding-DNA position 4732, G replaced by A.
Protein change: p.Glu1578Lys; replaces glutamic acid 1578 with lysine.
Molecular consequence: missense variant. On other transcripts: non-coding transcript variant (3).
Genome position (GRCh38, 1-based): chr9:97,375,479, G>A. VCF-style: chr9-97375479-G-A. GRCh37 (hg19) VCF-style: chr9-100137761-G-A.
Other names: c.4864G>A (NM_020893.2); short protein forms E1578K.
Identifiers: ClinVar variation 3898213 (VCV003898213.8).